The following is an entry in ClinVar:

NM_058195.4(CDKN2A):c.42G>T (p.Ala14=)

Gene: CDKN2A (cyclin dependent kinase inhibitor 2A; minus strand). Cytogenetic location: 9p21.3.
Variant type: single nucleotide variant.
Coding change: c.42G>T on transcript NM_058195.4 (MANE Plus Clinical); coding-DNA position 42, G replaced by T.
Protein change: p.Ala14=; no amino-acid change (alanine 14 retained).
Molecular consequence: synonymous variant. On other transcripts: intron variant (1).
Genome position (GRCh38, 1-based): chr9:21,994,290, C>A on the plus strand (G>T on the coding strand, the complement: CDKN2A is on the minus strand). VCF-style: chr9-21994290-C-A. GRCh37 (hg19) VCF-style: chr9-21994289-C-A.
Other names: c.-4+531G>T (NM_001363763.2).
Identifiers: ClinVar variation 1151113 (VCV001151113.6), dbSNP rs1288648134, ClinGen allele CA464100365.

ClinVar aggregate classification (germline): Benign/Likely benign. Review status: criteria provided, multiple submitters, no conflicts (2 of 4 stars). 3 submissions from 3 submitters: Benign (1); Likely benign (2). Last evaluated 2025-10-14.

Conditions:
Familial melanoma. Also called: Hereditary melanoma; Hereditary cutaneous melanoma. Identifiers: Orphanet 618, MedGen C1512419, MONDO:0018961.
Melanoma-pancreatic cancer syndrome. Identifiers: Orphanet 404560, MedGen C1838547, MONDO:0011713, OMIM 606719. Disease mechanism: loss of function.
Hereditary cancer-predisposing syndrome. Also called: Neoplastic Syndromes, Hereditary; Tumor predisposition; Hereditary Cancer Syndrome; Hereditary neoplastic syndrome. Identifiers: Orphanet 140162, MedGen C0027672, MeSH D009386, MONDO:0015356.

Submissions (3):

Ambry Genetics
Classification: Likely benign for Hereditary cancer-predisposing syndrome. Last evaluated: 2025-10-14. Review status: criteria provided, single submitter. Criteria: Ambry Variant Classification Scheme 2023. Collection method: clinical testing. Allele origin: germline.

Myriad Genetics, Inc.
Classification: Benign for Melanoma-pancreatic cancer syndrome. Last evaluated: 2025-08-12. Review status: criteria provided, single submitter. Criteria: Myriad Autosomal Dominant, Autosomal Recessive and X-Linked Classification Criteria (2023). Collection method: clinical testing. Allele origin: unknown.
Comment: This variant is considered benign. This variant is a silent/synonymous amino acid change and it is not expected to impact splicing.

Labcorp Genetics (formerly Invitae), Labcorp
Classification: Likely benign for Familial melanoma. Last evaluated: 2019-09-03. Review status: criteria provided, single submitter. Criteria: Invitae Variant Classification Sherloc (09022015). Collection method: clinical testing. Allele origin: germline.